The following is an entry in ClinVar:

NM_005609.4(PYGM):c.1545_1546del (p.Leu516fs)

Gene: PYGM (glycogen phosphorylase, muscle associated; minus strand). Cytogenetic location: 11q13.1.
Variant type: Deletion.
Coding change: c.1545_1546del on transcript NM_005609.4 (MANE Select); coding-DNA positions 1545 to 1546, 2 bases deleted (CC; older notation c.1545_1546delCC).
Protein change: p.Leu516fs; shifts the reading frame from leucine 516.
Molecular consequence: frameshift variant.
Genome position (GRCh38, 1-based): chr11:64,752,477-64,752,478, GG deleted on the plus strand (CC on the coding strand, the reverse complement: PYGM is on the minus strand). VCF-style (leftmost placement, unchanged base first): chr11-64752476-AGG-A. GRCh37 (hg19) VCF-style: chr11-64519948-AGG-A.
Other names: c.1281_1282del, p.Leu428fs (NM_001164716.1); short protein forms L428fs, L516fs.
Identifiers: ClinVar variation 857352 (VCV000857352.11), dbSNP rs2058363627, ClinGen allele CA916083245.

ClinVar aggregate classification (germline): Pathogenic/Likely pathogenic. Review status: criteria provided, multiple submitters, no conflicts (2 of 4 stars). 3 submissions from 3 submitters: Pathogenic (1); Likely pathogenic (2). Last evaluated 2025-11-07.

Conditions:
Glycogen storage disease, type V (GSD5). Also called: PYGM DEFICIENCY; McArdle type glycogen storage disease; MCARDLE DISEASE; MUSCLE GLYCOGEN PHOSPHORYLASE DEFICIENCY; MYOPHOSPHORYLASE DEFICIENCY. Identifiers: Orphanet 368, MedGen C0017924, MONDO:0009293, OMIM 232600.

Submissions (3):

Labcorp Genetics (formerly Invitae), Labcorp
Classification: Pathogenic for Glycogen storage disease, type V. Last evaluated: 2025-11-07. Review status: criteria provided, single submitter. Criteria: Invitae Variant Classification Sherloc (09022015). Collection method: clinical testing. Allele origin: germline.
Comment: This sequence change creates a premature translational stop signal (p.Leu516Glyfs*12) in the PYGM gene. It is expected to result in an absent or disrupted protein product. Loss-of-function variants in PYGM are known to be pathogenic (PMID: 8316268, 16786513). This variant is not present in population databases (gnomAD no frequency). This premature translational stop signal has been observed in individual(s) with clinical features of a muscular disease (PMID: 26633542). ClinVar contains an entry for this variant (Variation ID: 857352). For these reasons, this variant has been classified as Pathogenic.

Fulgent Genetics
Classification: Likely pathogenic for Glycogen storage disease, type V. Last evaluated: 2024-02-14. Review status: criteria provided, single submitter. Criteria: ACMG Guidelines, 2015. Collection method: clinical testing. Allele origin: germline.

Baylor Genetics
Classification: Likely pathogenic for Glycogen storage disease, type V. Last evaluated: 2024-01-05. Review status: criteria provided, single submitter. Criteria: ACMG Guidelines, 2015. Collection method: clinical testing. Allele origin: unknown.

Literature cited by the submitters: PubMed 8316268 (cited by Labcorp Genetics (formerly Invitae), Labcorp); PubMed 16786513 (cited by Labcorp Genetics (formerly Invitae), Labcorp); PubMed 26633542 (cited by Labcorp Genetics (formerly Invitae), Labcorp).